The following is an entry in ClinVar:

NM_017617.5(NOTCH1):c.6648G>A (p.Pro2216=)

Gene: NOTCH1 (notch receptor 1; minus strand). Cytogenetic location: 9q34.3.
Variant type: single nucleotide variant.
Coding change: c.6648G>A on transcript NM_017617.5 (MANE Select); coding-DNA position 6648, G replaced by A.
Protein change: p.Pro2216=; no amino-acid change (proline 2216 retained).
Molecular consequence: synonymous variant.
Genome position (GRCh38, 1-based): chr9:136,497,091, C>T on the plus strand (G>A on the coding strand, the complement: NOTCH1 is on the minus strand). VCF-style: chr9-136497091-C-T. GRCh37 (hg19) VCF-style: chr9-139391543-C-T.
Other names: p.Pro2216=; c.6648G>A, p.Pro2216= (LRG_1122t1); c.6648G>A (NM_017617.4).
Identifiers: ClinVar variation 287652 (VCV000287652.47), dbSNP rs3812596, ClinGen allele CA5339855.

ClinVar aggregate classification (germline): Benign. Review status: criteria provided, multiple submitters, no conflicts (2 of 4 stars). 15 submissions from 14 submitters: Benign (13). 2 of the submissions do not count toward it. Last evaluated 2026-02-03.

Conditions:
Adams-Oliver syndrome 5 (AOS5). Identifiers: Orphanet 974, MedGen C4014970, MONDO:0014459, OMIM 616028.
Familial thoracic aortic aneurysm and aortic dissection (TAAD). Also called: Thoracic aortic aneurysms and dissections. Identifiers: Orphanet 91387, MedGen C4707243, MONDO:0019625.
Aortic valve disease 1 (AOVD1). Identifiers: MedGen C3887892, MONDO:0024523, OMIM 109730.

Allele frequency attached by ClinVar (database versions not stated): gnomAD exomes 0.00434 and 0.01212; ESP Exome Variant Server 0.00585; gnomAD 0.01000 and 0.01068; ExAC 0.01103; TOPMed 0.01386; 1000 Genomes Project 30x 0.01952; 1000 Genomes Project 0.02117.
gnomAD v4.1: 7,962 of 1,609,458 alleles (0.49%); highest among the groups gnomAD compares: East Asian, 6.3%; 183 homozygotes.

Submissions (15):

Labcorp Genetics (formerly Invitae), Labcorp
Classification: Benign for Adams-Oliver syndrome 5. Last evaluated: 2026-02-03. Review status: criteria provided, single submitter. Criteria: Invitae Variant Classification Sherloc (09022015). Collection method: clinical testing. Allele origin: germline.

ARUP Laboratories, Molecular Genetics and Genomics, ARUP Laboratories
Classification: Benign. Last evaluated: 2025-06-12. Review status: criteria provided, single submitter. Criteria: ARUP Molecular Germline Variant Investigation Process 2024. Collection method: clinical testing. Allele origin: germline.

Blueprint Genetics
Classification: Benign. Last evaluated: 2024-11-27. Review status: criteria provided, single submitter. Criteria: ACMG Guidelines, 2015. Collection method: clinical testing. Allele origin: germline.

CeGaT Center for Human Genetics Tuebingen
Classification: Benign. Last evaluated: 2024-11-01. Review status: criteria provided, single submitter. Criteria: CeGaT Center For Human Genetics Tuebingen Variant Classification Criteria Version 2. Collection method: clinical testing. Allele origin: germline. Affected: yes. Observed: 1 variant allele.
Comment: NOTCH1: BP4, BP7, BS1, BS2

Mayo Clinic Laboratories, Mayo Clinic
Classification: Benign. Last evaluated: 2023-11-10. Review status: criteria provided, single submitter. Criteria: ACMG Guidelines, 2015. Collection method: clinical testing. Allele origin: germline. Observed: 11 variant alleles.

Women's Health and Genetics/Laboratory Corporation of America, LabCorp
Classification: Benign. Last evaluated: 2023-07-21. Review status: criteria provided, single submitter. Criteria: LabCorp Variant Classification Summary - May 2015. Collection method: clinical testing. Allele origin: germline.

Genome-Nilou Lab
Classification: Benign for Adams-Oliver syndrome 5. Last evaluated: 2022-03-15. Review status: criteria provided, single submitter. Criteria: ACMG Guidelines, 2015. Collection method: clinical testing. Allele origin: germline. Affected: no.

Genome-Nilou Lab
Classification: Benign for Aortic valve disease 1. Last evaluated: 2022-03-15. Review status: criteria provided, single submitter. Criteria: ACMG Guidelines, 2015. Collection method: clinical testing. Allele origin: germline. Affected: no.

CHEO Genetics Diagnostic Laboratory, Children's Hospital of Eastern Ontario
Classification: Benign for Familial thoracic aortic aneurysm and aortic dissection. Last evaluated: 2017-01-04. Review status: criteria provided, single submitter. Criteria: ACMG Guidelines, 2015. Collection method: clinical testing. Allele origin: germline. Study: Canadian Open Genetics Repository.

GeneDx
Classification: Benign. Last evaluated: 2017-01-03. Review status: criteria provided, single submitter. Criteria: GeneDx Variant Classification (06012015). Collection method: clinical testing. Allele origin: germline. Affected: yes.
Comment: This variant is considered likely benign or benign based on one or more of the following criteria: it is a conservative change, it occurs at a poorly conserved position in the protein, it is predicted to be benign by multiple in silico algorithms, and/or has population frequency not consistent with disease.

Eurofins Ntd Llc (ga)
Classification: Benign. Last evaluated: 2016-04-14. Review status: criteria provided, single submitter. Criteria: EGL Classification Definitions 2015. Collection method: clinical testing. Allele origin: germline. Observed: 1 variant allele, 1 heterozygote.

Ambry Genetics
Classification: Benign for Familial thoracic aortic aneurysm and aortic dissection. Last evaluated: 2015-09-22. Review status: criteria provided, single submitter. Criteria: Ambry Variant Classification Scheme 2023. Collection method: clinical testing. Allele origin: germline.

Breakthrough Genomics
Classification: Benign. Review status: criteria provided, single submitter. Criteria: ACMG Guidelines, 2015. Collection method: not provided. Allele origin: germline. Inheritance: Autosomal dominant inheritance. Affected: yes.

Genome Diagnostics Laboratory, Amsterdam University Medical Center
Classification: Benign. Review status: no assertion criteria provided. Collection method: clinical testing. Allele origin: germline. Affected: yes. Study: VKGL Data-share Consensus. Not counted in ClinVar's aggregate classification.

Joint Genome Diagnostic Labs from Nijmegen and Maastricht, Radboudumc and MUMC+
Classification: Benign. Review status: no assertion criteria provided. Collection method: clinical testing. Allele origin: germline. Affected: yes. Study: VKGL Data-share Consensus. Not counted in ClinVar's aggregate classification.

Literature cited by the submitters: PubMed 24943832 (cited by Women's Health and Genetics/Laboratory Corporation of America, LabCorp); PubMed 16614245 (cited by Women's Health and Genetics/Laboratory Corporation of America, LabCorp); PubMed 21670202 (cited by Women's Health and Genetics/Laboratory Corporation of America, LabCorp); PubMed 22210878 (cited by Women's Health and Genetics/Laboratory Corporation of America, LabCorp); PubMed 19635999 (cited by Women's Health and Genetics/Laboratory Corporation of America, LabCorp); PubMed 26837699 (cited by Women's Health and Genetics/Laboratory Corporation of America, LabCorp); PubMed 23086750 (cited by Women's Health and Genetics/Laboratory Corporation of America, LabCorp); PubMed 19245433 (cited by Women's Health and Genetics/Laboratory Corporation of America, LabCorp); PubMed 22077063 (cited by Women's Health and Genetics/Laboratory Corporation of America, LabCorp); PubMed 15472075 (cited by Women's Health and Genetics/Laboratory Corporation of America, LabCorp); PubMed 23734977 (cited by Women's Health and Genetics/Laboratory Corporation of America, LabCorp); PubMed 22858860 (cited by Women's Health and Genetics/Laboratory Corporation of America, LabCorp).